The following is an entry in ClinVar:

ClinVar aggregate classification (germline): Uncertain significance (1 of 4 stars; one submission).

gnomAD v4.1: 1 of 1,613,324 alleles (0.000062%); highest among the groups gnomAD compares: Admixed American, 0.0017%; no homozygotes.

Submission:

Ambry Genetics
Classification: Uncertain significance. Last evaluated: 2024-12-06. Review status: criteria provided, single submitter. Criteria: Ambry Variant Classification Scheme 2023. Collection method: clinical testing. Allele origin: germline.
Comment: The p.S75F variant (also known as c.224C>T), located in coding exon 3 of the RAD51B gene, results from a C to T substitution at nucleotide position 224. The serine at codon 75 is replaced by phenylalanine, an amino acid with highly dissimilar properties. This amino acid position is conserved. In addition, this alteration is predicted to be tolerated by in silico analysis. Based on the available evidence, the clinical significance of this variant remains unclear.

NM_133510.4(RAD51B):c.224C>T (p.Ser75Phe)

Gene: RAD51B (RAD51 paralog B; plus strand). Cytogenetic location: 14q24.1.
Variant type: single nucleotide variant.
Coding change: c.224C>T on transcript NM_133510.4 (MANE Select); coding-DNA position 224, C replaced by T.
Protein change: p.Ser75Phe; replaces serine 75 with phenylalanine.
Molecular consequence: missense variant. On other transcripts: 5 prime UTR variant (1).
Genome position (GRCh38, 1-based): chr14:67,835,105, C>T. VCF-style: chr14-67835105-C-T. GRCh37 (hg19) VCF-style: chr14-68301822-C-T.
Other names: c.224C>T, p.Ser75Phe (NM_001321809.2, NM_001321810.2, NM_001321812.1 and 6 more transcripts); c.110C>T, p.Ser37Phe (NM_001321815.1); c.-232C>T (NM_001321817.2); short protein forms S75F, S37F.
Identifiers: ClinVar variation 3429673 (VCV003429673.1).